The following is an entry in ClinVar:

ClinVar aggregate classification (germline): Likely benign. Review status: criteria provided, multiple submitters, no conflicts (2 of 4 stars). 2 submissions from 2 submitters: Likely benign (2). Last evaluated 2024-12-02.

Conditions:
TUB-related disorder. Also called: TUB-related condition.

Allele frequency attached by ClinVar (database versions not stated): gnomAD exomes 0.00001; ExAC 0.00002.
gnomAD v4.1: 7 of 1,613,716 alleles (0.00043%); highest among the groups gnomAD compares: South Asian, 0.0022%; no homozygotes.

Submissions (2):

PreventionGenetics, part of Exact Sciences
Classification: Likely benign for TUB-related condition. Last evaluated: 2024-12-02. Review status: criteria provided, single submitter. Criteria: ACMG Guidelines, 2015. Collection method: clinical testing. Allele origin: germline.
Comment: This variant is classified as likely benign based on ACMG/AMP sequence variant interpretation guidelines (Richards et al. 2015 PMID: 25741868, with internal and published modifications).

Labcorp Genetics (formerly Invitae), Labcorp
Classification: Likely benign. Last evaluated: 2022-12-08. Review status: criteria provided, single submitter. Criteria: Invitae Variant Classification Sherloc (09022015). Collection method: clinical testing. Allele origin: germline.

NM_177972.3(TUB):c.369T>C (p.Ala123=)

Genes: RIC3 (RIC3 acetylcholine receptor chaperone; minus strand), TUB (TUB bipartite transcription factor; plus strand). Cytogenetic location: 11p15.4.
Variant type: single nucleotide variant.
Coding change: c.369T>C on transcript NM_177972.3 (MANE Select); coding-DNA position 369, T replaced by C.
Protein change: p.Ala123=; no amino-acid change (alanine 123 retained).
Molecular consequence: synonymous variant.
Genome position (GRCh38, 1-based): chr11:8,094,161, T>C. VCF-style: chr11-8094161-T-C. GRCh37 (hg19) VCF-style: chr11-8115708-T-C.
Other names: c.534T>C (NM_003320.4); c.534T>C, p.Ala178= (NM_003320.5).
Identifiers: ClinVar variation 2973822 (VCV002973822.4), dbSNP rs752116875, ClinGen allele CA5871055.